The following is an entry in ClinVar:

NM_145239.3(PRRT2):c.970G>A (p.Gly324Arg)

Genes: MVP-DT (MVP divergent transcript; minus strand), PRRT2 (proline rich transmembrane protein 2; plus strand). Cytogenetic location: 16p11.2.
Variant type: single nucleotide variant.
Coding change: c.970G>A on transcript NM_145239.3 (MANE Select); coding-DNA position 970, G replaced by A.
Protein change: p.Gly324Arg; replaces glycine 324 with arginine.
Molecular consequence: missense variant. On other transcripts: 3 prime UTR variant (1).
Genome position (GRCh38, 1-based): chr16:29,814,423, G>A. VCF-style: chr16-29814423-G-A. GRCh37 (hg19) VCF-style: chr16-29825744-G-A.
Other names: c.970G>A, p.Gly324Arg (NM_001256442.2); c.*469G>A (NM_001256443.2); short protein forms G324R.
Identifiers: ClinVar variation 916311 (VCV000916311.40), dbSNP rs906768870, ClinGen allele CA280411004.

ClinVar aggregate classification (germline): Likely pathogenic (1 of 4 stars; one submission).

Submission:

CeGaT Center for Human Genetics Tuebingen
Classification: Likely pathogenic. Last evaluated: 2024-06-01. Review status: criteria provided, single submitter. Criteria: CeGaT Center For Human Genetics Tuebingen Variant Classification Criteria Version 2. Collection method: clinical testing. Allele origin: germline. Affected: yes. Observed: 3 variant alleles.
Comment: PRRT2: PM2, PM5, PP1:Moderate, PS4:Moderate, PS3:Supporting